The following is an entry in ClinVar:

ClinVar aggregate classification (germline): Uncertain significance (1 of 4 stars; one submission).

Conditions:
Focal clonic seizure. Identifiers: MedGen C0752323, HP:0002266.

Submission:

Diagnostics Services (NGS), CSIR - Centre For Cellular And Molecular Biology
Classification: Uncertain significance for Focal clonic seizure. Last evaluated: 2020-04-12. Review status: criteria provided, single submitter. Criteria: ACMG Guidelines, 2015. Collection method: clinical testing. Allele origin: unknown. Affected: yes. Observed: 1 heterozygote.
Comment: The c.416A>C variant is not present in publicly available databases like 1000 Genomes, Exome Variant Server (EVS), Exome Aggregation Consortium (ExAC), Genome Aggregation Database (gnomAD) and dbSNP. The variants are not present in our in-house exome database. The variants were not reported to OMIM, Human Genome Mutation Database (HGMD) or ClinVar databases in any affected individuals. Predictions from these in-silico pathogenicity prediction programs are contradictory for the c.416A>C variant. There are no documented functional studies. Due to lack of enough evidence the variant has been classified as uncertain significance.

NM_000748.3(CHRNB2):c.416A>C (p.Tyr139Ser)

Gene: CHRNB2 (cholinergic receptor nicotinic beta 2 subunit; plus strand). Cytogenetic location: 1q21.3.
Variant type: single nucleotide variant.
Coding change: c.416A>C on transcript NM_000748.3 (MANE Select); coding-DNA position 416, A replaced by C.
Protein change: p.Tyr139Ser; replaces tyrosine 139 with serine.
Molecular consequence: missense variant.
Genome position (GRCh38, 1-based): chr1:154,571,239, A>C. VCF-style: chr1-154571239-A-C. GRCh37 (hg19) VCF-style: chr1-154543715-A-C.
Other names: short protein forms Y139S.
Identifiers: ClinVar variation 870606 (VCV000870606.4), dbSNP rs1466236236, ClinGen allele CA342629971.